The following is an entry in ClinVar:

ClinVar aggregate classification (germline): Uncertain significance. Review status: criteria provided, multiple submitters, no conflicts (2 of 4 stars). 2 submissions from 2 submitters: Uncertain significance (2). Last evaluated 2025-04-07.

Conditions:
Familial hypocalciuric hypercalcemia (FHH). Also called: Familial benign hypercalcemia. Identifiers: Orphanet 405, MedGen C1809471, MONDO:0018458.
Autosomal dominant hypocalcemia 1 (HYPOC1). Also called: HYPOCALCEMIA, FAMILIAL. Identifiers: MedGen C3715128, MONDO:0011013, OMIM 601198.
Nephrolithiasis/nephrocalcinosis. Identifiers: MedGen CN580796.

Allele frequency attached by ClinVar (database versions not stated): gnomAD exomes 0.00001; gnomAD 0.00001; ExAC 0.00002.
gnomAD v4.1: 7 of 1,613,838 alleles (0.00043%); highest among the groups gnomAD compares: South Asian, 0.0077%; no homozygotes.

Submissions (2):

Labcorp Genetics (formerly Invitae), Labcorp
Classification: Uncertain significance for Familial hypocalciuric hypercalcemia; Autosomal dominant hypocalcemia 1. Last evaluated: 2025-04-07. Review status: criteria provided, single submitter. Criteria: Invitae Variant Classification Sherloc (09022015). Collection method: clinical testing. Allele origin: germline.
Comment: This sequence change replaces asparagine, which is neutral and polar, with lysine, which is basic and polar, at codon 722 of the CASR protein (p.Asn722Lys). This variant is present in population databases (rs771601139, gnomAD 0.01%). This variant has not been reported in the literature in individuals affected with CASR-related conditions. ClinVar contains an entry for this variant (Variation ID: 1502439). An algorithm developed to predict the effect of missense changes on protein structure and function (PolyPhen-2) suggests that this variant is likely to be disruptive. In summary, the available evidence is currently insufficient to determine the role of this variant in disease. Therefore, it has been classified as a Variant of Uncertain Significance.

Ambry Genetics
Classification: Uncertain significance for Nephrolithiasis/nephrocalcinosis. Last evaluated: 2024-05-23. Review status: criteria provided, single submitter. Criteria: Ambry Variant Classification Scheme 2023. Collection method: clinical testing. Allele origin: germline.
Comment: The p.N722K variant (also known as c.2166C>G), located in coding exon 6 of the CASR gene, results from a C to G substitution at nucleotide position 2166. The asparagine at codon 722 is replaced by lysine, an amino acid with similar properties. This amino acid position is highly conserved in available vertebrate species. In addition, this alteration is predicted to be tolerated by in silico analysis. In addition, the evidence for the gene-disease relationship is limited for pancreatitis and cancer predisposition; therefore, the clinical significance of this variant for CASR-related pancreatitis and cancer predisposition is unclear. Based on the available evidence, the clinical significance of this variant remains unclear.

NM_000388.4(CASR):c.2166C>G (p.Asn722Lys)

Gene: CASR (calcium sensing receptor; plus strand). Cytogenetic location: 3q21.1.
Variant type: single nucleotide variant.
Coding change: c.2166C>G on transcript NM_000388.4 (MANE Select); coding-DNA position 2166, C replaced by G.
Protein change: p.Asn722Lys; replaces asparagine 722 with lysine.
Molecular consequence: missense variant.
Genome position (GRCh38, 1-based): chr3:122,284,120, C>G. VCF-style: chr3-122284120-C-G. GRCh37 (hg19) VCF-style: chr3-122002967-C-G.
Other names: c.2196C>G, p.Asn732Lys (NM_001178065.2); c.2166C>G (NM_000388.3); short protein forms N722K, N732K.
Identifiers: ClinVar variation 1502439 (VCV001502439.9), dbSNP rs771601139, ClinGen allele CA2569789.